The following is an entry in ClinVar:

NM_000141.5(FGFR2):c.628C>T (p.Arg210Ter)

Gene: FGFR2 (fibroblast growth factor receptor 2; minus strand). Cytogenetic location: 10q26.13.
Variant type: single nucleotide variant.
Coding change: c.628C>T on transcript NM_000141.5 (MANE Select); coding-DNA position 628, C replaced by T.
Protein change: p.Arg210Ter; replaces arginine 210 with a stop codon.
Molecular consequence: nonsense. On other transcripts: non-coding transcript variant (1).
Genome position (GRCh38, 1-based): chr10:121,538,712, G>A on the plus strand (C>T on the coding strand, the complement: FGFR2 is on the minus strand). VCF-style: chr10-121538712-G-A. GRCh37 (hg19) VCF-style: chr10-123298226-G-A.
Other names: c.628C>T, p.Arg210Ter (NM_001144913.1, NM_001144914.1, NM_001144917.2 and 2 more transcripts); c.361C>T, p.Arg121Ter (NM_001144915.2, NM_001144919.2, NM_023029.3); c.283C>T, p.Arg95Ter (NM_001144916.2, NM_001144918.2); short protein forms R95*, R121*, R210*.
Identifiers: ClinVar variation 2694990 (VCV002694990.3), dbSNP rs1302963489, ClinGen allele CA378332645.

ClinVar aggregate classification (germline): Uncertain significance (1 of 4 stars; one submission).

Conditions:
FGFR2-related craniosynostosis. Identifiers: MedGen CN231480.

Submission:

Labcorp Genetics (formerly Invitae), Labcorp
Classification: Uncertain significance for FGFR2-related craniosynostosis. Last evaluated: 2023-11-10. Review status: criteria provided, single submitter. Criteria: Invitae Variant Classification Sherloc (09022015). Collection method: clinical testing. Allele origin: germline.
Comment: This sequence change creates a premature translational stop signal (p.Arg210*) in the FGFR2 gene. It is expected to result in an absent or disrupted protein product. However, the current clinical and genetic evidence is not sufficient to establish whether loss-of-function variants in FGFR2 cause disease. This variant is not present in population databases (gnomAD no frequency). This variant has not been reported in the literature in individuals affected with FGFR2-related conditions. In summary, the available evidence is currently insufficient to determine the role of this variant in disease. Therefore, it has been classified as a Variant of Uncertain Significance.